The following is an entry in ClinVar:

ClinVar aggregate classification (germline): Uncertain significance (1 of 4 stars; one submission).

Allele frequency attached by ClinVar (database versions not stated): gnomAD 0.00003; gnomAD exomes 0.00003; TOPMed 0.00003; ExAC 0.00011.
gnomAD v4.1: 42 of 1,604,802 alleles (0.0026%); highest among the groups gnomAD compares: South Asian, 0.019%; no homozygotes.

Submission:

Labcorp Genetics (formerly Invitae), Labcorp
Classification: Uncertain significance. Last evaluated: 2023-12-18. Review status: criteria provided, single submitter. Criteria: Invitae Variant Classification Sherloc (09022015). Collection method: clinical testing. Allele origin: germline.
Comment: This sequence change replaces proline, which is neutral and non-polar, with leucine, which is neutral and non-polar, at codon 446 of the PLEKHM2 protein (p.Pro446Leu). This variant is present in population databases (rs761220316, gnomAD 0.02%). This variant has not been reported in the literature in individuals affected with PLEKHM2-related conditions. An algorithm developed to predict the effect of missense changes on protein structure and function (PolyPhen-2) suggests that this variant is likely to be disruptive. In summary, the available evidence is currently insufficient to determine the role of this variant in disease. Therefore, it has been classified as a Variant of Uncertain Significance.

NM_015164.4(PLEKHM2):c.1337C>T (p.Pro446Leu)

Gene: PLEKHM2 (pleckstrin homology and RUN domain containing M2; plus strand). Cytogenetic location: 1p36.21.
Variant type: single nucleotide variant.
Coding change: c.1337C>T on transcript NM_015164.4 (MANE Select); coding-DNA position 1337, C replaced by T.
Protein change: p.Pro446Leu; replaces proline 446 with leucine.
Molecular consequence: missense variant.
Genome position (GRCh38, 1-based): chr1:15,727,409, C>T. VCF-style: chr1-15727409-C-T. GRCh37 (hg19) VCF-style: chr1-16053904-C-T.
Other names: c.1277C>T, p.Pro426Leu (NM_001410755.1); short protein forms P426L, P446L.
Identifiers: ClinVar variation 2721755 (VCV002721755.3), dbSNP rs761220316, ClinGen allele CA616920.